The following is an entry in ClinVar:

ClinVar aggregate classification (germline): Uncertain significance. Review status: criteria provided, multiple submitters, no conflicts (2 of 4 stars). 3 submissions from 3 submitters: Uncertain significance (3). Last evaluated 2023-12-17.

Conditions:
Inborn genetic diseases. Identifiers: MedGen C0950123, MeSH D030342.
Autoinflammatory syndrome, familial, Behcet-like. Identifiers: MedGen CN234876, MONDO:0031384.

Allele frequency attached by ClinVar (database versions not stated): TOPMed below 0.00001; gnomAD 0.00001; gnomAD exomes 0.00001.

Submissions (3):

Labcorp Genetics (formerly Invitae), Labcorp
Classification: Uncertain significance. Last evaluated: 2023-12-17. Review status: criteria provided, single submitter. Criteria: Invitae Variant Classification Sherloc (09022015). Collection method: clinical testing. Allele origin: germline.
Comment: This sequence change replaces glycine, which is neutral and non-polar, with serine, which is neutral and polar, at codon 432 of the TNFAIP3 protein (p.Gly432Ser). This variant is present in population databases (no rsID available, gnomAD 0.004%). This variant has not been reported in the literature in individuals affected with TNFAIP3-related conditions. ClinVar contains an entry for this variant (Variation ID: 1331012). Advanced modeling of protein sequence and biophysical properties (such as structural, functional, and spatial information, amino acid conservation, physicochemical variation, residue mobility, and thermodynamic stability) performed at Invitae indicates that this missense variant is not expected to disrupt TNFAIP3 protein function with a negative predictive value of 80%. In summary, the available evidence is currently insufficient to determine the role of this variant in disease. Therefore, it has been classified as a Variant of Uncertain Significance.

Ambry Genetics
Classification: Uncertain significance for Inborn genetic diseases. Last evaluated: 2023-02-15. Review status: criteria provided, single submitter. Criteria: Ambry Variant Classification Scheme 2023. Collection method: clinical testing. Allele origin: germline.

ARUP Laboratories, Molecular Genetics and Genomics, ARUP Laboratories
Classification: Uncertain significance for Autoinflammatory syndrome, familial, Behcet-like 1. Last evaluated: 2021-04-02. Review status: criteria provided, single submitter. Criteria: ARUP Molecular Germline Variant Investigation Process 2021. Collection method: clinical testing. Allele origin: germline.
Comment: The TNFAIP3 c.1294G>A; p.Gly432Ser variant (rs1453719653), to our knowledge, is not reported in the medical literature or gene specific databases. This variant is found in the general population with an overall allele frequency of 0.0018% (5/281,262 alleles) in the Genome Aggregation Database. The glycine at codon 432 is highly conserved, but computational analyses predict that this variant is neutral (REVEL: 0.052). Due to limited information, the clinical significance of the p.Gly432Ser variant is uncertain at this time.

NM_001270508.2(TNFAIP3):c.1294G>A (p.Gly432Ser)

Gene: TNFAIP3 (TNF alpha induced protein 3; plus strand). Cytogenetic location: 6q23.3.
Variant type: single nucleotide variant.
Coding change: c.1294G>A on transcript NM_001270508.2 (MANE Select); coding-DNA position 1294, G replaced by A.
Protein change: p.Gly432Ser; replaces glycine 432 with serine.
Molecular consequence: missense variant.
Genome position (GRCh38, 1-based): chr6:137,878,739, G>A. VCF-style: chr6-137878739-G-A. GRCh37 (hg19) VCF-style: chr6-138199876-G-A.
Other names: c.1294G>A, p.Gly432Ser (NM_001270507.2, NM_006290.4); c.1294G>A (NM_006290.2); short protein forms G432S.
Identifiers: ClinVar variation 1331012 (VCV001331012.12), dbSNP rs1453719653, ClinGen allele CA365789551.